The following is an entry in ClinVar:

NM_021975.4(RELA):c.965C>T (p.Thr322Ile)

Gene: RELA (RELA proto-oncogene, NF-kB subunit; minus strand). Cytogenetic location: 11q13.1.
Variant type: single nucleotide variant.
Coding change: c.965C>T on transcript NM_021975.4 (MANE Select); coding-DNA position 965, C replaced by T.
Protein change: p.Thr322Ile; replaces threonine 322 with isoleucine.
Molecular consequence: missense variant.
Genome position (GRCh38, 1-based): chr11:65,655,756, G>A on the plus strand (C>T on the coding strand, the complement: RELA is on the minus strand). VCF-style: chr11-65655756-G-A. GRCh37 (hg19) VCF-style: chr11-65423227-G-A.
Other names: c.956C>T, p.Thr319Ile (NM_001145138.2); c.965C>T, p.Thr322Ile (NM_001243984.2, NM_001243985.2); c.998C>T, p.Thr333Ile (NM_001404657.1); c.938C>T, p.Thr313Ile (NM_001404658.1); c.752C>T, p.Thr251Ile (NM_001404659.1); c.647C>T, p.Thr216Ile (NM_001404660.1); c.584C>T, p.Thr195Ile (NM_001404661.1); c.872C>T, p.Thr291Ile (NM_001404662.1, NM_001404663.1); and 1 more; short protein forms T291I, T313I, T216I, T319I, T251I, T322I, T195I, T333I.
Identifiers: ClinVar variation 2974699 (VCV002974699.4), dbSNP rs375929528, ClinGen allele CA6106715.

ClinVar aggregate classification (germline): Uncertain significance. Review status: criteria provided, multiple submitters, no conflicts (2 of 4 stars). 2 submissions from 2 submitters: Uncertain significance (2). Last evaluated 2025-04-11.

Allele frequency attached by ClinVar (database versions not stated): ExAC 0.00002; gnomAD 0.00004; ESP Exome Variant Server 0.00015.
gnomAD v4.1: 51 of 1,613,908 alleles (0.0032%); highest among the groups gnomAD compares: Middle Eastern, 0.016%; no homozygotes.

Submissions (2):

Ambry Genetics
Classification: Uncertain significance. Last evaluated: 2025-04-11. Review status: criteria provided, single submitter. Criteria: Ambry Variant Classification Scheme 2023. Collection method: clinical testing. Allele origin: germline.

Labcorp Genetics (formerly Invitae), Labcorp
Classification: Uncertain significance. Last evaluated: 2023-07-22. Review status: criteria provided, single submitter. Criteria: Invitae Variant Classification Sherloc (09022015). Collection method: clinical testing. Allele origin: germline.
Comment: This sequence change replaces threonine, which is neutral and polar, with isoleucine, which is neutral and non-polar, at codon 322 of the RELA protein (p.Thr322Ile). This variant is present in population databases (rs375929528, gnomAD 0.004%). This variant has not been reported in the literature in individuals affected with RELA-related conditions. An algorithm developed to predict the effect of missense changes on protein structure and function (PolyPhen-2) suggests that this variant is likely to be tolerated. In summary, the available evidence is currently insufficient to determine the role of this variant in disease. Therefore, it has been classified as a Variant of Uncertain Significance.